The following is an entry in ClinVar:

ClinVar aggregate classification (germline): Uncertain significance (1 of 4 stars; one submission).

Conditions:
Hereditary cancer-predisposing syndrome. Also called: Hereditary Cancer Syndrome; Hereditary neoplastic syndrome; Neoplastic Syndromes, Hereditary; Tumor predisposition. Identifiers: Orphanet 140162, MedGen C0027672, MeSH D009386, MONDO:0015356.

Submission:

Ambry Genetics
Classification: Uncertain significance for Hereditary cancer-predisposing syndrome. Last evaluated: 2025-05-25. Review status: criteria provided, single submitter. Criteria: Ambry Variant Classification Scheme 2023. Collection method: clinical testing. Allele origin: germline.
Comment: The p.E477A variant (also known as c.1430A>C), located in coding exon 11 of the APC gene, results from an A to C substitution at nucleotide position 1430. The glutamic acid at codon 477 is replaced by alanine, an amino acid with dissimilar properties. This amino acid position is conserved. In addition, in silico predictors for this gene do not accurately predict pathogenicity. Based on the available evidence, the clinical significance of this variant remains unclear.

NM_000038.6(APC):c.1430A>C (p.Glu477Ala)

Gene: APC (APC regulator of Wnt signaling pathway; plus strand). Cytogenetic location: 5q22.2.
Variant type: single nucleotide variant.
Coding change: c.1430A>C on transcript NM_000038.6 (MANE Select); coding-DNA position 1430, A replaced by C.
Protein change: p.Glu477Ala; replaces glutamic acid 477 with alanine.
Molecular consequence: missense variant.
Genome position (GRCh38, 1-based): chr5:112,827,129, A>C. VCF-style: chr5-112827129-A-C. GRCh37 (hg19) VCF-style: chr5-112162826-A-C.
Other names: c.1430A>C, p.Glu477Ala (NM_001127510.3, NM_001354895.2, NM_001407450.1); c.1376A>C, p.Glu459Ala (NM_001127511.3); c.1484A>C, p.Glu495Ala (NM_001354896.2, NM_001407447.1, NM_001407448.1 and 1 more transcripts); c.1460A>C, p.Glu487Ala (NM_001354897.2); c.1355A>C, p.Glu452Ala (NM_001354898.2); c.1346A>C, p.Glu449Ala (NM_001354899.2); c.1307A>C, p.Glu436Ala (NM_001354900.2); c.1253A>C, p.Glu418Ala (NM_001354901.2, NM_001407453.1); and 11 more; short protein forms E194A, E351A, E449A, E467A, E505A, E317A, E386A, E487A.
Identifiers: ClinVar variation 3929669 (VCV003929669.1).